The following is an entry in ClinVar:

NM_004006.3(DMD):c.832-1G>C

Gene: DMD (dystrophin; minus strand). Cytogenetic location: Xp21.1.
Variant type: single nucleotide variant.
Coding change: c.832-1G>C on transcript NM_004006.3 (MANE Select); the canonical splice acceptor site of the intron before coding-DNA position 832, G replaced by C.
Molecular consequence: splice acceptor variant.
Genome position (GRCh38, 1-based): chrX:32,697,999, C>G on the plus strand (G>C on the coding strand, the complement: DMD is on the minus strand). VCF-style: chrX-32697999-C-G. GRCh37 (hg19) VCF-style: chrX-32716116-C-G.
Other names: c.808-1G>C (NM_000109.4); c.820-1G>C (NM_004009.3); c.463-1G>C (NM_004010.3).
Identifiers: ClinVar variation 4066544 (VCV004066544.2).

ClinVar aggregate classification (germline): Likely pathogenic (1 of 4 stars; one submission).

Conditions:
Becker muscular dystrophy, Cardiomyopathy, Duchenne muscular dystrophy, Dystrophin deficiency.

Submission:

Natera, Inc.
Classification: Likely pathogenic for Becker muscular dystrophy, Cardiomyopathy, Duchenne muscular dystrophy, Dystrophin deficiency. Last evaluated: 2025-01-08. Review status: criteria provided, single submitter. Criteria: Natera Variant Classification Schema (03/2026). Collection method: clinical testing. Allele origin: germline.
Comment: The c.832-1G>C variant in DMD is a canonical splice acceptor site variant predicted to affect pre-mRNA splicing, which may result in an abnormal transcript and altered protein product. This variant is expected to result in nonsense mediated decay, truncation, or a dysfunctional protein product. This variant is rare in the general population with a frequency below the threshold expected for the associated phenotype(s). Given the available evidence, this variant is classified as Likely Pathogenic.